The following is an entry in ClinVar:

ClinVar aggregate classification (germline): Uncertain significance (1 of 4 stars; one submission).

Conditions:
Progressive sclerosing poliodystrophy (MTDPS4A). Also called: Mitochondrial DNA Depletion Syndrome 4A; ALPERS PROGRESSIVE INFANTILE POLIODYSTROPHY; NEURONAL DEGENERATION OF CHILDHOOD WITH LIVER DISEASE, PROGRESSIVE; Mitochondrial DNA depletion syndrome 4A (Alpers type); Alpers Syndrome; ALPERS DIFFUSE DEGENERATION OF CEREBRAL GRAY MATTER WITH HEPATIC CIRRHOSIS. Identifiers: Orphanet 726, MedGen C0205710, MONDO:0008758, OMIM 203700.

Allele frequency attached by ClinVar (database versions not stated): gnomAD exomes below 0.00001.
gnomAD v4.1: 2 of 1,614,010 alleles (0.00012%); highest among the groups gnomAD compares: Non-Finnish European, 0.00017%; no homozygotes.

Submission:

Labcorp Genetics (formerly Invitae), Labcorp
Classification: Uncertain significance for Progressive sclerosing poliodystrophy. Last evaluated: 2024-03-04. Review status: criteria provided, single submitter. Criteria: Invitae Variant Classification Sherloc (09022015). Collection method: clinical testing. Allele origin: germline.
Comment: This sequence change replaces histidine, which is basic and polar, with aspartic acid, which is acidic and polar, at codon 734 of the POLG protein (p.His734Asp). This variant is not present in population databases (gnomAD no frequency). This variant has not been reported in the literature in individuals affected with POLG-related conditions. Advanced modeling of protein sequence and biophysical properties (such as structural, functional, and spatial information, amino acid conservation, physicochemical variation, residue mobility, and thermodynamic stability) has been performed at Invitae for this missense variant, however the output from this modeling did not meet the statistical confidence thresholds required to predict the impact of this variant on POLG protein function. In summary, the available evidence is currently insufficient to determine the role of this variant in disease. Therefore, it has been classified as a Variant of Uncertain Significance.

NM_002693.3(POLG):c.2200C>G (p.His734Asp)

Gene: POLG (DNA polymerase gamma, catalytic subunit; minus strand). Cytogenetic location: 15q26.1.
Variant type: single nucleotide variant.
Coding change: c.2200C>G on transcript NM_002693.3 (MANE Select); coding-DNA position 2200, C replaced by G.
Protein change: p.His734Asp; replaces histidine 734 with aspartic acid.
Molecular consequence: missense variant.
Genome position (GRCh38, 1-based): chr15:89,323,469, G>C on the plus strand (C>G on the coding strand, the complement: POLG is on the minus strand). VCF-style: chr15-89323469-G-C. GRCh37 (hg19) VCF-style: chr15-89866700-G-C.
Other names: c.2200C>G, p.His734Asp (NM_001126131.2); short protein forms H734D.
Identifiers: ClinVar variation 2996962 (VCV002996962.3), dbSNP rs2509230187, ClinGen allele CA393756786.